The following is an entry in ClinVar:

ClinVar aggregate classification (germline): Uncertain significance (1 of 4 stars; one submission).

Allele frequency attached by ClinVar (database versions not stated): ExAC 0.00001; gnomAD 0.00001; TOPMed 0.00001.
gnomAD v4.1: 4 of 957,940 alleles (0.00042%); highest among the groups gnomAD compares: African/African-American, 0.0017%; no homozygotes.

Submission:

GeneDx
Classification: Uncertain significance. Last evaluated: 2022-10-18. Review status: criteria provided, single submitter. Criteria: GeneDx Variant Classification Process June 2021. Collection method: clinical testing. Allele origin: germline. Affected: yes.
Comment: Not observed at significant frequency in large population cohorts (gnomAD); In silico analysis supports that this missense variant does not alter protein structure/function; Has not been previously published as pathogenic or benign to our knowledge

NM_003076.5(SMARCD1):c.365A>G (p.Asn122Ser)

Gene: SMARCD1 (SWI/SNF related BAF chromatin remodeling complex subunit D1; plus strand). Cytogenetic location: 12q13.12.
Variant type: single nucleotide variant.
Coding change: c.365A>G on transcript NM_003076.5 (MANE Select); coding-DNA position 365, A replaced by G.
Protein change: p.Asn122Ser; replaces asparagine 122 with serine.
Molecular consequence: missense variant.
Genome position (GRCh38, 1-based): chr12:50,086,348, A>G. VCF-style: chr12-50086348-A-G. GRCh37 (hg19) VCF-style: chr12-50480131-A-G.
Other names: c.365A>G, p.Asn122Ser (NM_139071.3); short protein forms N122S.
Identifiers: ClinVar variation 2499754 (VCV002499754.1), dbSNP rs747185206, ClinGen allele CA6561035.